The following is an entry in ClinVar:

NM_000540.3(RYR1):c.1408C>T (p.Leu470=)

Gene: RYR1 (ryanodine receptor 1; plus strand). Cytogenetic location: 19q13.2.
Variant type: single nucleotide variant.
Coding change: c.1408C>T on transcript NM_000540.3 (MANE Select); coding-DNA position 1408, C replaced by T.
Protein change: p.Leu470=; no amino-acid change (leucine 470 retained).
Molecular consequence: synonymous variant.
Genome position (GRCh38, 1-based): chr19:38,452,982, C>T. VCF-style: chr19-38452982-C-T. GRCh37 (hg19) VCF-style: chr19-38943622-C-T.
Other names: c.1408C>T, p.Leu470= (NM_001042723.2).
Identifiers: ClinVar variation 2498776 (VCV002498776.33), dbSNP rs749095568, ClinGen allele CA060809.
Genomic context (GRCh38, chr19:38,452,982, plus strand): 5'-TACTTCGAGCCTCCCTCCGAGGACTTGCAGCACGAGGAGAAGCAGAGCAAGCTGCGAAGC[C>T]TGCGCAACCGCCAGAGCCTCTTCCAGGAGGAGGTGAGGACGTGGCGAGGGCGGAGCGGGG-3'
Protein context (NP_000531.2, residues 460-480): HEEKQSKLRS[Leu470=]RNRQSLFQEE

ClinVar aggregate classification (germline): Likely benign. Review status: criteria provided, multiple submitters, no conflicts (2 of 4 stars). 4 submissions from 4 submitters: Likely benign (4). Last evaluated 2025-09-28.

Conditions:
RYR1-related disorder. Also called: RYR1-related condition; RYR1-related disorders. Identifiers: MedGen CN239331.
Malignant hyperthermia, susceptibility to, 1 (MHS1). Also called: Anesthesia related hyperthermia; Malignant hyperpyrexia; Fulminating hyperpyrexia; Pharmacogenic myopathy; RYR1-Related Malignant Hyperthermia Susceptibility; Malignant hyperthermia suceptibility 1. Identifiers: Orphanet 423, MedGen C2930980, MONDO:0007783, OMIM 145600.

Allele frequency attached by ClinVar (database versions not stated): gnomAD exomes below 0.00001; ExAC 0.00001.
gnomAD v4.1: 1 of 1,613,912 alleles (0.000062%); highest among the groups gnomAD compares: Non-Finnish European, 0.000085%; no homozygotes.

Submissions (4):

Labcorp Genetics (formerly Invitae), Labcorp
Classification: Likely benign for RYR1-related disorder. Last evaluated: 2025-09-28. Review status: criteria provided, single submitter. Criteria: Invitae Variant Classification Sherloc (09022015). Collection method: clinical testing. Allele origin: germline.

All of Us Research Program, National Institutes of Health
Classification: Likely benign for Malignant hyperthermia, susceptibility to, 1. Last evaluated: 2023-08-15. Review status: criteria provided, single submitter. Criteria: ACMG Guidelines, 2015. Collection method: clinical testing. Allele origin: germline. Inheritance: Autosomal dominant inheritance. Observed: 2 variant alleles, 2 heterozygotes.
Comment: This study involves interpretation of variants in research participants for the purpose of population health screening. Participant phenotype was not available at the time of variant classification. Additional details can be found in publication PMID: 35346344, PMCID: PMC8962531

CeGaT Center for Human Genetics Tuebingen
Classification: Likely benign. Last evaluated: 2023-03-01. Review status: criteria provided, single submitter. Criteria: CeGaT Center For Human Genetics Tuebingen Variant Classification Criteria Version 2. Collection method: clinical testing. Allele origin: germline. Affected: yes. Observed: 1 variant allele.
Comment: RYR1: BP4, BP7

Color Diagnostics, LLC DBA Color Health
Classification: Likely benign for Malignant hyperthermia, susceptibility to, 1. Last evaluated: 2022-11-06. Review status: criteria provided, single submitter. Criteria: ACMG Guidelines, 2015. Collection method: clinical testing. Allele origin: germline.